The following is an entry in ClinVar:

ClinVar aggregate classification (germline): Pathogenic (1 of 4 stars; one submission).

Conditions:
Smith-Lemli-Opitz syndrome (SLOS). Also called: 7-Dehydrocholesterol reductase deficiency; LETHAL ACRODYSGENITAL SYNDROME; POLYDACTYLY, SEX REVERSAL, RENAL HYPOPLASIA, AND UNILOBAR LUNG; RSH SYNDROME; RUTLEDGE LETHAL MULTIPLE CONGENITAL ANOMALY SYNDROME. Identifiers: Orphanet 818, MedGen C0175694, MONDO:0010035, OMIM 270400.

Submission:

Labcorp Genetics (formerly Invitae), Labcorp
Classification: Pathogenic for Smith-Lemli-Opitz syndrome. Last evaluated: 2023-08-10. Review status: criteria provided, single submitter. Criteria: Invitae Variant Classification Sherloc (09022015). Collection method: clinical testing. Allele origin: germline.
Comment: For these reasons, this variant has been classified as Pathogenic. This variant disrupts a region of the DHCR7 protein in which other variant(s) (p.Trp182Leu) have been determined to be pathogenic (PMID: 11427181, 15776424, 15979035). This suggests that this is a clinically significant region of the protein, and that variants that disrupt it are likely to be disease-causing. This variant has not been reported in the literature in individuals affected with DHCR7-related conditions. This variant is not present in population databases (gnomAD no frequency). This variant, c.546_548del, results in the deletion of 1 amino acid(s) of the DHCR7 protein (p.Trp182del), but otherwise preserves the integrity of the reading frame.

Literature cited by the submitters: PubMed 11427181; PubMed 15776424; PubMed 15979035.

NM_001360.3(DHCR7):c.543GTG[1] (p.Trp182del)

Gene: DHCR7 (7-dehydrocholesterol reductase; minus strand). Cytogenetic location: 11q13.4.
Variant type: Microsatellite.
Coding change: c.543GTG[1] on transcript NM_001360.3 (MANE Select); one copy of the 3-base unit GTG starting at c.543; the reference has two copies in a row; one copy, 3 bases deleted.
Protein change: p.Trp182del; deletes tryptophan 182.
Molecular consequence: inframe deletion. On other transcripts: inframe indel (14).
Genome position (GRCh38, 1-based): chr11:71,441,305-71,441,307, CAC deleted on the plus strand (GTG on the coding strand, the reverse complement: DHCR7 is on the minus strand); deleting any 3 consecutive bases within chr11:71,441,305-71,441,310 gives the same sequence; the position shown is the placement nearest the transcript's 3' end. VCF-style (leftmost placement, unchanged base first): chr11-71441304-GCAC-G. GRCh37 (hg19) VCF-style: chr11-71152350-GCAC-G.
Other names: c.543GTG[1], p.Trp182del (NM_001163817.2); c.543_545GTG[1], p.Trp182del (NM_001425107.1, NM_001425109.1, NM_001425110.1 and 6 more transcripts); c.579_581GTG[1], p.Trp194del (NM_001425108.1); c.483_485GTG[1], p.Trp162del (NM_001425113.1); c.447_449GTG[1], p.Trp150del (NM_001425114.1, NM_001425116.1); c.369_371GTG[1], p.Trp124del (NM_001425117.1); short protein forms W124del, W150del, W162del, W182del, W194del.
Identifiers: ClinVar variation 2751498 (VCV002751498.3), dbSNP rs2539227858, ClinGen allele CA2614860532.